The following is an entry in ClinVar:

ClinVar aggregate classification (germline): Benign. Review status: criteria provided, multiple submitters, no conflicts (2 of 4 stars). 2 submissions from 2 submitters: Benign (2). Last evaluated 2018-01-12.

Conditions:
Neurofibromatosis, type 2 (SWNV). Also called: SCHWANNOMATOSIS, VESTIBULAR; BILATERAL ACOUSTIC NEUROFIBROMATOSIS; NF2-Related Schwannomatosis. Identifiers: Orphanet 637, MedGen C0027832, MONDO:0007039, OMIM 101000. Disease mechanism: loss of function.

Allele frequency attached by ClinVar (database versions not stated): 1000 Genomes Project 30x 0.00718; 1000 Genomes Project 0.00938; TOPMed 0.01201; gnomAD 0.01227 and 0.01252; gnomAD exomes 0.01439.
gnomAD v4.1: 2,249 of 175,138 alleles (1.3%); highest among the groups gnomAD compares: Middle Eastern, 5.9%; 24 homozygotes.

Submissions (2):

Illumina Laboratory Services, Illumina
Classification: Benign for Neurofibromatosis, type 2. Last evaluated: 2018-01-12. Review status: criteria provided, single submitter. Criteria: ICSL Variant Classification Criteria 13 December 2019. Collection method: clinical testing. Allele origin: germline.
Comment: This variant was observed in the ICSL laboratory as part of a predisposition screen in an ostensibly healthy population. It had not been previously curated by ICSL or reported in the Human Gene Mutation Database (HGMD: prior to June 1st, 2018), and was therefore a candidate for classification through an automated scoring system. Utilizing variant allele frequency, disease prevalence and penetrance estimates, and inheritance mode, an automated score was calculated to assess if this variant is too frequent to cause the disease. Based on the score and internal cut-off values, a variant classified as benign is not then subjected to further curation. The score for this variant resulted in a classification of benign for this disease.

Breakthrough Genomics
Classification: Benign. Review status: criteria provided, single submitter. Criteria: ACMG Guidelines, 2015. Collection method: not provided. Allele origin: germline. Inheritance: Autosomal dominant inheritance. Affected: yes.

NM_000268.4(NF2):c.*2922G>A

Gene: NF2 (NF2, moesin-ezrin-radixin like (MERLIN) tumor suppressor; plus strand). Cytogenetic location: 22q12.2.
Variant type: single nucleotide variant.
Coding change: c.*2922G>A on transcript NM_000268.4 (MANE Select); 2922 bases downstream of the stop codon, G replaced by A.
Molecular consequence: 3 prime UTR variant. On other transcripts: non-coding transcript variant (1).
Genome position (GRCh38, 1-based): chr22:29,697,724, G>A. VCF-style: chr22-29697724-G-A. GRCh37 (hg19) VCF-style: chr22-30093713-G-A.
Other names: c.*2982G>A (NM_016418.5, NM_181828.3, NM_181829.3 and 1 more transcripts); c.*2997G>A (NM_181832.3); c.*2922G>A (NM_181833.3).
Identifiers: ClinVar variation 341158 (VCV000341158.6), dbSNP rs112930471, ClinGen allele CA10651056.